The following is an entry in ClinVar:

ClinVar aggregate classification (germline): Uncertain significance (1 of 4 stars; one submission).

Submission:

Pediatric Department, Xiangya Hospital, Central South University
Classification: Uncertain significance. Review status: criteria provided, single submitter. Criteria: ACMG Guidelines, 2015. Collection method: clinical testing. Allele origin: maternal. Affected: yes.
Comment: This variant was observed in compound heterozygosity with variant (c.250G>A)

NM_004453.4(ETFDH):c.2T>G (p.Met1Arg)

Gene: ETFDH (electron transfer flavoprotein dehydrogenase; plus strand). Cytogenetic location: 4q32.1.
Variant type: single nucleotide variant.
Coding change: c.2T>G on transcript NM_004453.4 (MANE Select); coding-DNA position 2, T replaced by G.
Protein change: p.Met1Arg; changes the start codon (methionine 1).
Molecular consequence: missense variant, initiator codon variant.
Genome position (GRCh38, 1-based): chr4:158,672,458, T>G. VCF-style: chr4-158672458-T-G. GRCh37 (hg19) VCF-style: chr4-159593610-T-G.
Other names: c.2T>G, p.Met1Arg (NM_001281737.2); short protein forms M1R.
Identifiers: ClinVar variation 1802979 (VCV001802979.2), dbSNP rs121964953, ClinGen allele CA358572983.